The following is an entry in ClinVar:

NM_000726.5(CACNB4):c.*2837A>G

Gene: CACNB4 (calcium voltage-gated channel auxiliary subunit beta 4; minus strand). Cytogenetic location: 2q23.3.
Variant type: single nucleotide variant.
Coding change: c.*2837A>G on transcript NM_000726.5 (MANE Select); 2837 bases downstream of the stop codon, A replaced by G.
Molecular consequence: 3 prime UTR variant.
Genome position (GRCh38, 1-based): chr2:151,836,282, T>C on the plus strand (A>G on the coding strand, the complement: CACNB4 is on the minus strand). VCF-style: chr2-151836282-T-C. GRCh37 (hg19) VCF-style: chr2-152692796-T-C.
Other names: c.*2837A>G (NM_001005746.4, NM_001005747.4, NM_001145798.3 and 7 more transcripts).
Identifiers: ClinVar variation 331582 (VCV000331582.6), dbSNP rs138327808, ClinGen allele CA10611386.

ClinVar aggregate classification (germline): Benign (1 of 4 stars; one submission).

Conditions:
Episodic ataxia type 5. Identifiers: Orphanet 211067, MedGen C1866039, MONDO:0013464, OMIM 613855.

Allele frequency attached by ClinVar (database versions not stated): 1000 Genomes Project 0.00639; 1000 Genomes Project 30x 0.00640; gnomAD 0.00821 and 0.00888; TOPMed 0.00960.

Submission:

Illumina Laboratory Services, Illumina
Classification: Benign for Episodic ataxia type 5. Last evaluated: 2018-01-13. Review status: criteria provided, single submitter. Criteria: ICSL Variant Classification Criteria 13 December 2019. Collection method: clinical testing. Allele origin: germline.
Comment: This variant was observed in the ICSL laboratory as part of a predisposition screen in an ostensibly healthy population. It had not been previously curated by ICSL or reported in the Human Gene Mutation Database (HGMD: prior to June 1st, 2018), and was therefore a candidate for classification through an automated scoring system. Utilizing variant allele frequency, disease prevalence and penetrance estimates, and inheritance mode, an automated score was calculated to assess if this variant is too frequent to cause the disease. Based on the score and internal cut-off values, a variant classified as benign is not then subjected to further curation. The score for this variant resulted in a classification of benign for this disease.